The following is an entry in ClinVar:

NM_000744.7(CHRNA4):c.158G>T (p.Arg53Leu)

Gene: CHRNA4 (cholinergic receptor nicotinic alpha 4 subunit; minus strand). Cytogenetic location: 20q13.33.
Variant type: single nucleotide variant.
Coding change: c.158G>T on transcript NM_000744.7 (MANE Select); coding-DNA position 158, G replaced by T.
Protein change: p.Arg53Leu; replaces arginine 53 with leucine.
Molecular consequence: missense variant. On other transcripts: 5 prime UTR variant (1), non-coding transcript variant (1).
Genome position (GRCh38, 1-based): chr20:63,359,618, C>A on the plus strand (G>T on the coding strand, the complement: CHRNA4 is on the minus strand). VCF-style: chr20-63359618-C-A. GRCh37 (hg19) VCF-style: chr20-61990970-C-A.
Other names: c.-389G>T (NM_001256573.2); short protein forms R53L.
Identifiers: ClinVar variation 4767201 (VCV004767201.1).

ClinVar aggregate classification (germline): Uncertain significance (1 of 4 stars; one submission).

Conditions:
Familial sleep-related hypermotor epilepsy. Also called: Autosomal Dominant Sleep-Related Hypermotor (Hyperkinetic) Epilepsy. Identifiers: Orphanet 98784, MedGen C3696898, MONDO:0000030.

Submission:

Labcorp Genetics (formerly Invitae), Labcorp
Classification: Uncertain significance. Last evaluated: 2025-10-31. Review status: criteria provided, single submitter. Criteria: Invitae Variant Classification Sherloc (09022015). Collection method: clinical testing. Allele origin: germline.
Comment: This sequence change replaces arginine, which is basic and polar, with leucine, which is neutral and non-polar, at codon 53 of the CHRNA4 protein (p.Arg53Leu). This variant is not present in population databases (gnomAD no frequency). This variant has not been reported in the literature in individuals affected with CHRNA4-related conditions. Invitae Evidence Modeling of protein sequence and biophysical properties (such as structural, functional, and spatial information, amino acid conservation, physicochemical variation, residue mobility, and thermodynamic stability) indicates that this missense variant is expected to disrupt CHRNA4 protein function with a positive predictive value of 80%. In summary, the available evidence is currently insufficient to determine the role of this variant in disease. Therefore, it has been classified as a Variant of Uncertain Significance.